The following is an entry in ClinVar:

NM_153717.3(EVC):c.25A>T (p.Lys9Ter)

Genes: EVC (EvC ciliary complex subunit 1; plus strand), LOC129992144 (ATAC-STARR-seq lymphoblastoid silent region 15223; plus strand). Cytogenetic location: 4p16.2.
Variant type: single nucleotide variant.
Coding change: c.25A>T on transcript NM_153717.3 (MANE Select); coding-DNA position 25, A replaced by T.
Protein change: p.Lys9Ter; replaces lysine 9 with a stop codon.
Molecular consequence: nonsense.
Genome position (GRCh38, 1-based): chr4:5,711,405, A>T. VCF-style: chr4-5711405-A-T. GRCh37 (hg19) VCF-style: chr4-5713132-A-T.
Other names: c.25A>T, p.Lys9Ter (NM_001306090.2, NM_001306092.2); short protein forms K9*.
Identifiers: ClinVar variation 1452180 (VCV001452180.7), dbSNP rs1425513399, ClinGen allele CA356156232.

ClinVar aggregate classification (germline): Pathogenic (1 of 4 stars; one submission).

Conditions:
Ellis-van Creveld syndrome (EVC). Also called: EVC-Related Ellis-van Creveld Syndrome; EVC2-Related Ellis-van Creveld Syndrome; MESOECTODERMAL DYSPLASIA; Chondroectodermal dysplasia. Identifiers: Orphanet 289, MedGen C0013903, MONDO:0009162, OMIM 225500.
Curry-Hall syndrome (WAD). Also called: WEYERS ACRODENTAL DYSOSTOSIS. Identifiers: Orphanet 952, MedGen C0457013, MONDO:0008673, OMIM 193530.

Allele frequency attached by ClinVar (database versions not stated): gnomAD exomes below 0.00001.
gnomAD v4.1: 2 of 1,020,680 alleles (0.0002%); highest among the groups gnomAD compares: South Asian, 0.0044%; no homozygotes.

Submission:

Labcorp Genetics (formerly Invitae), Labcorp
Classification: Pathogenic for Curry-Hall syndrome; Ellis-van Creveld syndrome. Last evaluated: 2020-11-13. Review status: criteria provided, single submitter. Criteria: Invitae Variant Classification Sherloc (09022015). Collection method: clinical testing. Allele origin: germline.
Comment: This sequence change creates a premature translational stop signal (p.Lys9*) in the EVC gene. It is expected to result in an absent or disrupted protein product. Loss-of-function variants in EVC are known to be pathogenic (PMID: 23220543). The frequency data for this variant in the population databases is considered unreliable, as metrics indicate insufficient coverage at this position in the ExAC database. This variant has not been reported in the literature in individuals with EVC-related conditions. For these reasons, this variant has been classified as Pathogenic.

Literature cited by the submitters: PubMed 23220543.